The following is an entry in ClinVar:

ClinVar aggregate classification (germline): Pathogenic (1 of 4 stars; one submission).

Conditions:
Cutis laxa, autosomal dominant 3 (ADCL3). Identifiers: Orphanet 90348, MedGen C4225268, MONDO:0014706, OMIM 616603.
Autosomal dominant spastic paraplegia type 9. Identifiers: MedGen C1832669, MONDO:0015091.
de Barsy syndrome. Also called: Cutis laxa-corneal clouding-oligophrenia syndrome. Identifiers: Orphanet 2962, MedGen C0268354, MONDO:0017569.

Allele frequency attached by ClinVar (database versions not stated): gnomAD exomes below 0.00001.

Submission:

Labcorp Genetics (formerly Invitae), Labcorp
Classification: Pathogenic for Autosomal dominant spastic paraplegia type 9; de Barsy syndrome; Cutis laxa, autosomal dominant 3. Last evaluated: 2023-08-07. Review status: criteria provided, single submitter. Criteria: Invitae Variant Classification Sherloc (09022015). Collection method: clinical testing. Allele origin: germline.
Comment: This sequence change creates a premature translational stop signal (p.Lys572*) in the ALDH18A1 gene. It is expected to result in an absent or disrupted protein product. Loss-of-function variants in ALDH18A1 are known to be pathogenic (PMID: 21739576, 24913064, 28567303, 28604674, 29915212). This variant is not present in population databases (gnomAD no frequency). This variant has not been reported in the literature in individuals affected with ALDH18A1-related conditions. For these reasons, this variant has been classified as Pathogenic.

Literature cited by the submitters: PubMed 21739576; PubMed 24913064; PubMed 28567303; PubMed 28604674; PubMed 29915212.

NM_002860.4(ALDH18A1):c.1713dup (p.Lys572Ter)

Gene: ALDH18A1 (aldehyde dehydrogenase 18 family member A1; minus strand). Cytogenetic location: 10q24.1.
Variant type: Duplication.
Coding change: c.1713dup on transcript NM_002860.4 (MANE Select); coding-DNA position 1713, one base duplicated (T; older notation c.1713dupT).
Protein change: p.Lys572Ter; replaces lysine 572 with a stop codon.
Molecular consequence: nonsense.
Genome position (GRCh38, 1-based): chr10:95,614,054, A duplicated on the plus strand (T on the coding strand, the reverse complement: ALDH18A1 is on the minus strand). VCF-style (leftmost placement, unchanged base first): chr10-95614053-T-TA. GRCh37 (hg19) VCF-style: chr10-97373810-T-TA.
Other names: c.1707dup, p.Lys570Ter (NM_001017423.2, NM_001323415.2); c.1380dup, p.Lys461Ter (NM_001323412.2, NM_001323416.2); c.1713dup, p.Lys572Ter (NM_001323413.2, NM_001323414.2); c.1608dup, p.Lys537Ter (NM_001323417.2); c.1374dup, p.Lys459Ter (NM_001323418.2); c.1077dup, p.Lys360Ter (NM_001323419.2); short protein forms K459*, K537*, K570*, K461*, K572*, K360*.
Identifiers: ClinVar variation 2950800 (VCV002950800.3), dbSNP rs2526729059, ClinGen allele CA2610290816.